The following is an entry in ClinVar:

ClinVar aggregate classification (germline): Uncertain significance (1 of 4 stars; one submission).

Conditions:
Inborn genetic diseases. Identifiers: MedGen C0950123, MeSH D030342.

gnomAD v4.1: 1 of 1,611,320 alleles (0.000062%); highest among the groups gnomAD compares: East Asian, 0.0022%; no homozygotes.

Submission:

Ambry Genetics
Classification: Uncertain significance for Inborn genetic diseases. Last evaluated: 2024-09-05. Review status: criteria provided, single submitter. Criteria: Ambry Variant Classification Scheme 2023. Collection method: clinical testing. Allele origin: germline.
Comment: The p.M289T variant (also known as c.866T>C), located in coding exon 7 of the EPAS1 gene, results from a T to C substitution at nucleotide position 866. The methionine at codon 289 is replaced by threonine, an amino acid with similar properties. This amino acid position is conserved. In addition, this alteration is predicted to be tolerated by in silico analysis. Based on the available evidence, the clinical significance of this variant remains unclear.

NM_001430.5(EPAS1):c.866T>C (p.Met289Thr)

Gene: EPAS1 (endothelial PAS domain protein 1; plus strand). Cytogenetic location: 2p21.
Variant type: single nucleotide variant.
Coding change: c.866T>C on transcript NM_001430.5 (MANE Select); coding-DNA position 866, T replaced by C.
Protein change: p.Met289Thr; replaces methionine 289 with threonine.
Molecular consequence: missense variant.
Genome position (GRCh38, 1-based): chr2:46,369,913, T>C. VCF-style: chr2-46369913-T-C. GRCh37 (hg19) VCF-style: chr2-46597052-T-C.
Other names: short protein forms M289T.
Identifiers: ClinVar variation 3508909 (VCV003508909.1).